The following is an entry in ClinVar:

NM_001048174.2(MUTYH):c.354C>G (p.Ile118Met)

Gene: MUTYH (mutY DNA glycosylase; minus strand). Cytogenetic location: 1p34.1.
Variant type: single nucleotide variant.
Coding change: c.354C>G on transcript NM_001048174.2 (MANE Select); coding-DNA position 354, C replaced by G.
Protein change: p.Ile118Met; replaces isoleucine 118 with methionine.
Molecular consequence: missense variant. On other transcripts: non-coding transcript variant (6), intron variant (3).
Genome position (GRCh38, 1-based): chr1:45,333,121, G>C on the plus strand (C>G on the coding strand, the complement: MUTYH is on the minus strand). VCF-style: chr1-45333121-G-C. GRCh37 (hg19) VCF-style: chr1-45798793-G-C.
Other names: c.354C>G, p.Ile118Met (NM_001048171.2, NM_001048173.2, NM_001293195.2 and 6 more transcripts); c.357C>G, p.Ile119Met (NM_001048172.2, NM_001407071.1, NM_001407078.1 and 2 more transcripts); c.438C>G, p.Ile146Met (NM_001128425.2); c.399C>G, p.Ile133Met (NM_001293190.2); c.387C>G, p.Ile129Met (NM_001293191.2, NM_001407077.1); c.78C>G, p.Ile26Met (NM_001293192.2, NM_001293196.2, NM_001407091.1); c.429C>G, p.Ile143Met (NM_001407069.1, NM_012222.3); c.396C>G, p.Ile132Met (NM_001407073.1, NM_001407083.1, NM_001407085.1); and 3 more; short protein forms I118M, I119M, I125M, I129M, I132M, I133M, I143M, I146M.
Identifiers: ClinVar variation 2676892 (VCV002676892.4), dbSNP rs2524220763, ClinGen allele CA340136116.

ClinVar aggregate classification (germline): Uncertain significance. Review status: criteria provided, multiple submitters, no conflicts (2 of 4 stars). 2 submissions from 2 submitters: Uncertain significance (2). Last evaluated 2023-10-04.

Conditions:
Familial adenomatous polyposis 2. Also called: COLORECTAL ADENOMATOUS POLYPOSIS, AUTOSOMAL RECESSIVE; ADENOMAS, MULTIPLE COLORECTAL, AUTOSOMAL RECESSIVE; FAP type 2; MUTYH Polyposis; MYH-associated polyposis; Adenomas, multiple colorectal. Identifiers: Orphanet 220460, Orphanet 247798, MedGen C3272841, MONDO:0012041, OMIM 608456.

Submissions (2):

Baylor Genetics
Classification: Uncertain significance for Familial adenomatous polyposis 2. Last evaluated: 2023-10-04. Review status: criteria provided, single submitter. Criteria: ACMG Guidelines, 2015. Collection method: clinical testing. Allele origin: unknown.

Labcorp Genetics (formerly Invitae), Labcorp
Classification: Uncertain significance for Familial adenomatous polyposis 2. Last evaluated: 2023-07-07. Review status: criteria provided, single submitter. Criteria: Invitae Variant Classification Sherloc (09022015). Collection method: clinical testing. Allele origin: germline.
Comment: In summary, the available evidence is currently insufficient to determine the role of this variant in disease. Therefore, it has been classified as a Variant of Uncertain Significance. An algorithm developed to predict the effect of missense changes on protein structure and function (PolyPhen-2) suggests that this variant is likely to be disruptive. This variant has not been reported in the literature in individuals affected with MUTYH-related conditions. This variant is not present in population databases (gnomAD no frequency). This sequence change replaces isoleucine, which is neutral and non-polar, with methionine, which is neutral and non-polar, at codon 146 of the MUTYH protein (p.Ile146Met).